The following is an entry in ClinVar:

NM_000492.4(CFTR):c.1584+5G>C

Genes: CFTR (CF transmembrane conductance regulator; plus strand), CFTR-AS1 (CFTR antisense RNA 1; minus strand). Cytogenetic location: 7q31.2.
Variant type: single nucleotide variant.
Coding change: c.1584+5G>C on transcript NM_000492.4 (MANE Select); 5 bases into the intron after coding-DNA position 1584, G replaced by C.
Molecular consequence: intron variant.
Genome position (GRCh38, 1-based): chr7:117,559,660, G>C. VCF-style: chr7-117559660-G-C. GRCh37 (hg19) VCF-style: chr7-117199714-G-C.
Identifiers: ClinVar variation 1775761 (VCV001775761.3), dbSNP rs2485066050, ClinGen allele CA2580076328.

ClinVar aggregate classification (germline): Uncertain significance. Review status: criteria provided, single submitter (1 of 4 stars). 2 submissions from 2 submitters: Uncertain significance (1). 1 of the submissions does not count toward it. Last evaluated 2020-12-09.

Conditions:
CFTR-related disorder (CFTR-RD). Also called: CFTR-related condition; CFTR-related disorders. Identifiers: MedGen C5924204, MONDO:7770004.
Cystic fibrosis (CF). Also called: MUCOVISCIDOSIS. Identifiers: Orphanet 586, MedGen C0010674, MONDO:0009061, OMIM 219700. Disease mechanism: loss of function.

Submissions (2):

Ambry Genetics
Classification: Uncertain significance for Cystic fibrosis. Last evaluated: 2020-12-09. Review status: criteria provided, single submitter. Criteria: Ambry Variant Classification Scheme 2023. Collection method: clinical testing. Allele origin: germline.
Comment: The c.1584+5G>C intronic variant results from a G to C substitution 5 nucleotides after coding exon 11 in the CFTR gene. This nucleotide position is highly conserved in available vertebrate species. In silico splice site analysis predicts that this alteration will not have any significant effect on splicing. Since supporting evidence is limited at this time, the clinical significance of this alteration remains unclear.

Natera, Inc.
Classification: Uncertain significance for CFTR-related disorders. Last evaluated: 2025-02-19. Review status: no assertion criteria provided. Collection method: clinical testing. Allele origin: germline. Not counted in ClinVar's aggregate classification.